The following is an entry in ClinVar:

NM_005475.3(SH2B3):c.1268A>T (p.Gln423Leu)

Gene: SH2B3 (SH2B adaptor protein 3; plus strand). Cytogenetic location: 12q24.12.
Variant type: single nucleotide variant.
Coding change: c.1268A>T on transcript NM_005475.3 (MANE Select); coding-DNA position 1268, A replaced by T.
Protein change: p.Gln423Leu; replaces glutamine 423 with leucine.
Molecular consequence: missense variant.
Genome position (GRCh38, 1-based): chr12:111,447,687, A>T. VCF-style: chr12-111447687-A-T. GRCh37 (hg19) VCF-style: chr12-111885491-A-T.
Other names: c.662A>T, p.Gln221Leu (NM_001291424.1); short protein forms Q221L, Q423L.
Identifiers: ClinVar variation 4630755 (VCV004630755.1).

ClinVar aggregate classification (germline): Uncertain significance (1 of 4 stars; one submission).

Conditions:
Inborn genetic diseases. Identifiers: MedGen C0950123, MeSH D030342.

Submission:

Ambry Genetics
Classification: Uncertain significance for Inborn genetic diseases. Last evaluated: 2025-11-16. Review status: criteria provided, single submitter. Criteria: Ambry Variant Classification Scheme 2023. Collection method: clinical testing. Allele origin: germline.
Comment: The p.Q423L variant (also known as c.1268A>T), located in coding exon 6 of the SH2B3 gene, results from an A to T substitution at nucleotide position 1268. The glutamine at codon 423 is replaced by leucine, an amino acid with dissimilar properties. This amino acid position is conserved. In addition, this alteration is predicted to be tolerated by in silico analysis. Based on the available evidence, the clinical significance of this variant remains unclear.